The following is an entry in ClinVar:

NM_004830.4(MED23):c.2998C>A (p.Arg1000Ser)

Gene: MED23 (mediator complex subunit 23; minus strand). Cytogenetic location: 6q23.2.
Variant type: single nucleotide variant.
Coding change: c.2998C>A on transcript NM_004830.4 (MANE Select); coding-DNA position 2998, C replaced by A.
Protein change: p.Arg1000Ser; replaces arginine 1000 with serine.
Molecular consequence: missense variant.
Genome position (GRCh38, 1-based): chr6:131,594,333, G>T on the plus strand (C>A on the coding strand, the complement: MED23 is on the minus strand). VCF-style: chr6-131594333-G-T. GRCh37 (hg19) VCF-style: chr6-131915473-G-T.
Other names: c.2998C>A, p.Arg1000Ser (NM_001270521.2, NM_001270522.2); c.3016C>A, p.Arg1006Ser (NM_001376517.1, NM_015979.4); c.2944C>A, p.Arg982Ser (NM_001376518.1); c.2860C>A, p.Arg954Ser (NM_001376519.1, NM_001376521.1); c.2857C>A, p.Arg953Ser (NM_001376520.1); c.2827C>A, p.Arg943Ser (NM_001376522.1); c.2743C>A, p.Arg915Ser (NM_001376523.1); c.2611C>A, p.Arg871Ser (NM_001376524.1); short protein forms R1000S, R1006S, R871S, R915S, R943S, R953S, R954S, R982S.
Identifiers: ClinVar variation 1699040 (VCV001699040.3), dbSNP rs866726564, ClinGen allele CA365663283.
Genomic context (GRCh38, chr6:131,594,333, plus strand): 5'-CGCGGTCTCTCAGGTGCATTTCATAATAGTGCAGAGTGTTATACAGATAAGTCACTGGAC[G>T]ATCTGCCAAGAAAAAAACATACCACCACAATGTTTAACTGGTTACTAATAACTGTGAAAA-3'
Protein context (NP_004821.2, residues 990-1010): HLGGLYKFHD[Arg1000Ser]PVTYLYNTLH

ClinVar aggregate classification (germline): Uncertain significance (1 of 4 stars; one submission).

Conditions:
Intellectual developmental disorder, autosomal recessive 18, with or without epilepsy. Also called: Intellectual disability, autosomal recessive 18. Identifiers: Orphanet 88616, MedGen C3280265, MONDO:0013651, OMIM 614249.

Submission:

Victorian Clinical Genetics Services, Murdoch Childrens Research Institute
Classification: Uncertain significance for Intellectual developmental disorder, autosomal recessive 18, with or without epilepsy. Last evaluated: 2022-02-02. Review status: criteria provided, single submitter. Criteria: ACMG Guidelines, 2015. Collection method: clinical testing. Allele origin: germline. Inheritance: Autosomal recessive inheritance.
Comment: Based on the classification scheme VCGS_Germline_v1.3.4, this variant is classified as VUS-3B. Following criteria are met: 0102 - Loss of function is a known mechanism of disease in this gene and is associated with autosomal recessive intellectual disability 18 (MIM#614249). (I) 0106 - This gene is associated with autosomal recessive disease. (I) 0200 - Variant is predicted to result in a missense amino acid change from arginine to serine. (I) 0251 - This variant is heterozygous. (I) 0301 - Variant is absent from gnomAD (both v2 and v3). (SP) 0501 - Missense variant consistently predicted to be damaging by multiple in silico tools or highly conserved with a major amino acid change. (SP) 0603 - Missense variant in a region that is highly intolerant to missense variation (high constraint region in DECIPHER). (SP) 0705 - No comparable missense variants have previous evidence for pathogenicity. (I) 0807 - This variant has no previous evidence of pathogenicity. (I) 0905 - No published segregation evidence has been identified for this variant. (I) 1007 - No published functional evidence has been identified for this variant. (I) 1208 - Inheritance information for this variant is not currently available in this individual. (I) Legend: (SP) - Supporting pathogenic, (I) - Information, (SB) - Supporting benign